The following is an entry in ClinVar:

ClinVar aggregate classification (germline): Pathogenic/Likely pathogenic. Review status: criteria provided, multiple submitters, no conflicts (2 of 4 stars). 10 submissions from 10 submitters: Pathogenic (5); Likely pathogenic (4). 1 of the submissions does not count toward it. Last evaluated 2025-12-16.

Conditions:
Bronchiectasis with or without elevated sweat chloride 1 (BESC1). Also called: Cystic Fibrosis-Like Syndrome. Identifiers: Orphanet 60033, MedGen C2749757, MONDO:0008887, OMIM 211400.
CFTR-related disorder (CFTR-RD). Also called: CFTR-related disorders; CFTR-related condition. Identifiers: MedGen C5924204, MONDO:7770004.
Cystic fibrosis (CF). Also called: MUCOVISCIDOSIS. Identifiers: Orphanet 586, MedGen C0010674, MONDO:0009061, OMIM 219700. Disease mechanism: loss of function.

Allele frequency attached by ClinVar (database versions not stated): gnomAD exomes 0.00001 and below 0.00001; gnomAD 0.00001; TOPMed 0.00001.
gnomAD v4.1: 5 of 1,610,824 alleles (0.00031%); highest among the groups gnomAD compares: Admixed American, 0.0067%; no homozygotes.

Submissions (10):

Labcorp Genetics (formerly Invitae), Labcorp
Classification: Pathogenic for Cystic fibrosis. Last evaluated: 2025-12-16. Review status: criteria provided, single submitter. Criteria: Invitae Variant Classification Sherloc (09022015). Collection method: clinical testing. Allele origin: germline.
Comment: This sequence change affects an acceptor splice site in intron 7 of the CFTR gene. It is expected to disrupt RNA splicing. Variants that disrupt the donor or acceptor splice site typically lead to a loss of protein function (PMID: 16199547), and loss-of-function variants in CFTR are known to be pathogenic (PMID: 1695717, 7691345, 9725922). This variant is present in population databases (no rsID available, gnomAD 0.009%). Disruption of this splice site has been observed in individual(s) with cystic fibrosis (PMID: 22859523, 23687349, 27717243, 28546993). This variant is also known as 1002-2A>G. ClinVar contains an entry for this variant (Variation ID: 495962). Algorithms developed to predict the effect of sequence changes on RNA splicing suggest that this variant may disrupt the consensus splice site. For these reasons, this variant has been classified as Pathogenic.

Natera, Inc.
Classification: Pathogenic for CFTR-related disorders. Last evaluated: 2025-10-24. Review status: criteria provided, single submitter. Criteria: Natera Variant Classification Schema (03/2026). Collection method: clinical testing. Allele origin: germline.
Comment: The c.870-2A>G variant in CFTR is a canonical splice acceptor site variant predicted to affect pre-mRNA splicing, which may result in an abnormal transcript and altered protein product. This variant is expected to result in nonsense mediated decay, truncation, or a dysfunctional protein product. This variant is rare in the general population with a frequency below the threshold expected for the associated phenotype(s). This variant has been observed in one or more individuals affected with the associated recessive disease, as either homozygous or compound heterozygous with a second variant (PMID: 23687349). Another variant at this same site results in an alteration predicted to cause a similar molecular effect has been observed in individual(s) with the associated phenotype. Given the available evidence, this variant is classified as Pathogenic.

Johns Hopkins Genomics, Johns Hopkins University
Classification: Pathogenic for Cystic fibrosis. Last evaluated: 2024-09-06. Review status: criteria provided, single submitter. Criteria: ACMG Guidelines, 2015. Collection method: clinical testing. Allele origin: germline.
Comment: This canonical splice site variant has been identified in multiple individuals with elevated sweat chloride concentration and features of cystic fibrosis (CF) who also have a second CF-causing CFTR variant although the phase of these variants has not been confirmed. This CFTR variant (rs1290078234) is rare (<0.1%) in a large population dataset (gnomADv4.1.0: 5/1610824 total alleles; 0.0003%; no homozygotes) and has been reported in ClinVar (Variation ID: 495962). This variant destroys a canonical splice acceptor site, and is predicted to cause abnormal CFTR splicing. We consider c.870-2A>G to be pathogenic.

Ambry Genetics
Classification: Likely pathogenic for Cystic fibrosis. Last evaluated: 2024-07-10. Review status: criteria provided, single submitter. Criteria: Ambry Variant Classification Scheme 2023. Collection method: clinical testing. Allele origin: germline.
Comment: The c.870-2A>G intronic variant results from an A to G substitution two nucleotides upstream from coding exon 8 in the CFTR gene. This variant was identified in an individual with cystic fibrosis in conjunction with p.G1244E; however, the phase was not specified (Trujillano D et al. J Med Genet, 2013 Jul;50:455-62). It was also identified a pancreatic sufficient adult with elevated sweat chloride levels in conjunction with p.F508del; however, the phase was not specified (Quinton P et al. Am J Respir Crit Care Med, 2012 Oct;186:732-9). This nucleotide position is well conserved in available vertebrate species. In silico splice site analysis predicts that this alteration will weaken the native splice acceptor site and will result in the creation or strengthening of a novel splice acceptor site. In addition to the clinical data presented in the literature, alterations that disrupt the canonical splice site are expected to cause aberrant splicing, resulting in an abnormal protein or a transcript that is subject to nonsense-mediated mRNA decay. As such, this alteration is classified as likely pathogenic.

Women's Health and Genetics/Laboratory Corporation of America, LabCorp
Classification: Likely pathogenic for Cystic fibrosis. Last evaluated: 2024-02-21. Review status: criteria provided, single submitter. Criteria: LabCorp Variant Classification Summary - May 2015. Collection method: clinical testing. Allele origin: germline.
Comment: Variant summary: CFTR c.870-2A>G is located in a canonical splice-site and is predicted to affect mRNA splicing resulting in a significantly altered protein due to either exon skipping, shortening, or inclusion of intronic material. Several computational tools predict a significant impact on normal splicing: Four predict the variant abolishes a 3' acceptor site. Two predict the variant creates a 3' acceptor site. However, these predictions have yet to be confirmed by functional studies. The variant allele was found at a frequency of 1.2e-05 in 249644 control chromosomes. c.870-2A>G has been reported in the literature in individuals affected with Cystic Fibrosis (Quinton_2012, Trujillano_2013, Behar_2017). To our knowledge, no experimental evidence demonstrating an impact on protein function has been reported. The following publications have been ascertained in the context of this evaluation (PMID: 22859523, 23687349, 28546993). ClinVar contains an entry for this variant (Variation ID: 495962). Based on the evidence outlined above, the variant was classified as likely pathogenic.

Baylor Genetics
Classification: Pathogenic for Bronchiectasis with or without elevated sweat chloride 1. Last evaluated: 2023-11-11. Review status: criteria provided, single submitter. Criteria: ACMG Guidelines, 2015. Collection method: clinical testing. Allele origin: unknown.

PreventionGenetics, part of Exact Sciences
Classification: Likely pathogenic for CFTR-related condition. Last evaluated: 2022-12-05. Review status: criteria provided, single submitter. Criteria: ACMG Guidelines, 2015. Collection method: clinical testing. Allele origin: germline.
Comment: The CFTR c.870-2A>G variant is predicted to disrupt the AG splice acceptor site and interfere with normal splicing. This variant has been reported in one patient with Cystic fibrosis who was also carrying the p.Gly1224Glu pathogenic variant in CFTR. The phase was not specified (Patient 79, Table S3, Trujillano et al. 2013. PubMed ID: 23687349). This variant was also detected as part of a large study investigating efficacy of NGS-based cystic fibrosis carrier screening. Details on the individual carrying the 870-2A>G were not provided (Table S3, Beauchamp et al. 2019. PubMed ID: 31036917). This variant is reported in 0.0087% of alleles in individuals of Latino descent in gnomAD. Variants that disrupt the consensus splice acceptor site in CFTR are expected to be pathogenic. This variant is interpreted as likely pathogenic.

GeneDx
Classification: Likely pathogenic. Last evaluated: 2022-10-06. Review status: criteria provided, single submitter. Criteria: GeneDx Variant Classification Process June 2021. Collection method: clinical testing. Allele origin: germline. Affected: yes.
Comment: Canonical splice site variant predicted to result in a null allele in a gene for which loss of function is a known mechanism of disease; Also known as c.1002-2A>G; This variant is associated with the following publications: (PMID: 28546993, 31036917, 27717243, 22859523, 23687349)

Undiagnosed Diseases Network, NIH
Classification: Pathogenic for Cystic fibrosis. Last evaluated: 2020-10-02. Review status: criteria provided, single submitter. Criteria: ACMG Guidelines, 2015. Collection method: clinical testing. Allele origin: unknown. Inheritance: Autosomal recessive inheritance. Affected: yes. Observed: 1 variant allele, 1 compound heterozygote. Study: Undiagnosed Diseases Network (NIH), UDN.

Counsyl
Classification: Likely pathogenic for Cystic fibrosis. Last evaluated: 2016-12-09. Review status: no assertion criteria provided. Collection method: clinical testing. Allele origin: unknown. Not counted in ClinVar's aggregate classification.

Literature cited by the submitters: PubMed 16199547 (cited by Labcorp Genetics (formerly Invitae), Labcorp); PubMed 1695717 (cited by Labcorp Genetics (formerly Invitae), Labcorp); PubMed 7691345 (cited by Labcorp Genetics (formerly Invitae), Labcorp); PubMed 9725922 (cited by Labcorp Genetics (formerly Invitae), Labcorp); PubMed 22859523 (cited by 4 submitters); PubMed 23687349 (cited by 5 submitters); PubMed 27717243 (cited by Labcorp Genetics (formerly Invitae), Labcorp); PubMed 28546993 (cited by 4 submitters).

NM_000492.4(CFTR):c.870-2A>G

Gene: CFTR (CF transmembrane conductance regulator; plus strand). Cytogenetic location: 7q31.2.
Variant type: single nucleotide variant.
Coding change: c.870-2A>G on transcript NM_000492.4 (MANE Select); the canonical splice acceptor site of the intron before coding-DNA position 870, A replaced by G.
Molecular consequence: splice acceptor variant.
Genome position (GRCh38, 1-based): chr7:117,540,098, A>G. VCF-style: chr7-117540098-A-G. GRCh37 (hg19) VCF-style: chr7-117180152-A-G.
Identifiers: ClinVar variation 495962 (VCV000495962.25), dbSNP rs1290078234, ClinGen allele CA368977807.
Genomic context (GRCh38, chr7:117,540,098, plus strand): 5'-AGATCCCTGATATTTGAAAAATAAAATAACATCCTGAATTTTATTGTTATTGTTTTTTAT[A>G]GAACAGAACTGAAACTGACTCGGAAGGCAGCCTATGTGAGATACTTCAATAGCTCAGCCT-3'